The following is an entry in ClinVar:

ClinVar aggregate classification (germline): Benign (0 of 4 stars; one submission).

Conditions:
KIF26B-related disorder. Also called: KIF26B-related condition.

Allele frequency attached by ClinVar (database versions not stated): 1000 Genomes Project 30x 0.08057; 1000 Genomes Project 0.08187; TOPMed 0.14887; ExAC 0.15168; gnomAD 0.16350; ESP Exome Variant Server 0.16504; gnomAD exomes 0.19043.
gnomAD v4.1: 301,473 of 1,612,474 alleles (19%); highest among the groups gnomAD compares: Non-Finnish European, 21%; 31,080 homozygotes.

Submission:

PreventionGenetics, part of Exact Sciences
Classification: Benign for KIF26B-related condition. Last evaluated: 2019-10-28. Review status: no assertion criteria provided. Collection method: clinical testing. Allele origin: germline.
Comment: This variant is classified as benign based on ACMG/AMP sequence variant interpretation guidelines (Richards et al. 2015 PMID: 25741868, with internal and published modifications).

NM_018012.4(KIF26B):c.2715C>T (p.Pro905=)

Gene: KIF26B (kinesin family member 26B; plus strand). Cytogenetic location: 1q44.
Variant type: single nucleotide variant.
Coding change: c.2715C>T on transcript NM_018012.4 (MANE Select); coding-DNA position 2715, C replaced by T.
Protein change: p.Pro905=; no amino-acid change (proline 905 retained).
Molecular consequence: synonymous variant.
Genome position (GRCh38, 1-based): chr1:245,685,698, C>T. VCF-style: chr1-245685698-C-T. GRCh37 (hg19) VCF-style: chr1-245849000-C-T.
Identifiers: ClinVar variation 3060764 (VCV003060764.2), dbSNP rs61744485, ClinGen allele CA1488078.